The following is an entry in ClinVar:

NM_000275.3(OCA2):c.1256G>C (p.Arg419Pro)

Gene: OCA2 (OCA2 melanosomal transmembrane protein; minus strand). Cytogenetic location: 15q13.1.
Variant type: single nucleotide variant.
Coding change: c.1256G>C on transcript NM_000275.3 (MANE Select); coding-DNA position 1256, G replaced by C.
Protein change: p.Arg419Pro; replaces arginine 419 with proline.
Molecular consequence: missense variant.
Genome position (GRCh38, 1-based): chr15:27,985,172, C>G on the plus strand (G>C on the coding strand, the complement: OCA2 is on the minus strand). VCF-style: chr15-27985172-C-G. GRCh37 (hg19) VCF-style: chr15-28230318-C-G.
Other names: c.1184G>C, p.Arg395Pro (NM_001300984.2); short protein forms R395P, R419P.
Identifiers: ClinVar variation 4539999 (VCV004539999.1).

ClinVar aggregate classification (germline): Likely pathogenic (1 of 4 stars; one submission).

Submission:

GeneDx
Classification: Likely pathogenic. Last evaluated: 2025-06-25. Review status: criteria provided, single submitter. Criteria: GeneDx Variant Classification Process June 2021. Collection method: clinical testing. Allele origin: germline. Affected: yes.
Comment: Has not been previously published as pathogenic or benign to our knowledge; Not observed at significant frequency in large population cohorts (gnomAD); In silico analysis supports that this missense variant has a deleterious effect on protein structure/function